The following is an entry in ClinVar:

ClinVar aggregate classification (germline): Likely pathogenic (1 of 4 stars; one submission).

Conditions:
Congenital myotonia, autosomal recessive form. Also called: myotonia congenita, autosomal recessive; Becker Generalized Myotonia; BECKER DISEASE. Identifiers: Orphanet 614, MedGen C0751360, MONDO:0009715, OMIM 255700.
Congenital myotonia, autosomal dominant form (THD). Also called: THOMSEN DISEASE; Myotonia congenita autosomal dominant. Identifiers: Orphanet 614, MedGen C2936781, MONDO:0008055, OMIM 160800.

gnomAD v4.1: 1 of 1,614,174 alleles (0.000062%); highest among the groups gnomAD compares: East Asian, 0.0022%; no homozygotes.

Submission:

Juno Genomics, Hangzhou Juno Genomics, Inc
Classification: Likely pathogenic for Congenital myotonia, autosomal dominant form; Congenital myotonia, autosomal recessive form. Review status: criteria provided, single submitter. Criteria: ACMG Guidelines, 2015. Collection method: clinical testing. Allele origin: germline.
Comment: Null variant in a gene where loss of function (LOF) is a known mechanism of disease.;Absent from controls (or at extremely low frequency if recessive) in Genome Aggregation Database.

NM_000083.3(CLCN1):c.1101T>A (p.Tyr367Ter)

Gene: CLCN1 (chloride voltage-gated channel 1; plus strand). Cytogenetic location: 7q34.
Variant type: single nucleotide variant.
Coding change: c.1101T>A on transcript NM_000083.3 (MANE Select); coding-DNA position 1101, T replaced by A.
Protein change: p.Tyr367Ter; replaces tyrosine 367 with a stop codon.
Molecular consequence: nonsense. On other transcripts: non-coding transcript variant (1).
Genome position (GRCh38, 1-based): chr7:143,331,587, T>A. VCF-style: chr7-143331587-T-A. GRCh37 (hg19) VCF-style: chr7-143028680-T-A.
Other names: short protein forms Y367*.
Identifiers: ClinVar variation 5007170 (VCV005007170.2).